The following is an entry in ClinVar:

ClinVar aggregate classification (germline): Conflicting classifications of pathogenicity. Review status: criteria provided, conflicting classifications (1 of 4 stars). 5 submissions from 5 submitters: Uncertain significance (4); Likely benign (1). Last evaluated 2026-07-20.

Conditions:
Ehlers-Danlos syndrome, type 4 (EDSVASC). Also called: Ehlers-Danlos syndrome vascular type; Ehlers Danlos syndrome, ecchymotic type; Ehlers Danlos syndrome, arterial type; Ehlers Danlos syndrome, Sack-Barabas type; Ehlers-Danlos Syndrome Type IV. Identifiers: Orphanet 286, MedGen C0268338, MONDO:0017314, OMIM 130050.
Familial thoracic aortic aneurysm and aortic dissection (TAAD). Also called: Thoracic aortic aneurysms and dissections. Identifiers: Orphanet 91387, MedGen C4707243, MONDO:0019625.

Allele frequency attached by ClinVar (database versions not stated): gnomAD exomes below 0.00001 and 0.00001; ExAC 0.00001; gnomAD 0.00001; TOPMed 0.00001.
gnomAD v4.1: 10 of 1,613,872 alleles (0.00062%); highest among the groups gnomAD compares: Admixed American, 0.005%; no homozygotes.

Submissions (5):

Ambry Genetics
Classification: Likely benign for Familial thoracic aortic aneurysm and aortic dissection. Last evaluated: 2026-07-20. Review status: criteria provided, single submitter. Criteria: Ambry Variant Classification Scheme 2023. Collection method: clinical testing. Allele origin: germline.

ARUP Laboratories, Molecular Genetics and Genomics, ARUP Laboratories
Classification: Uncertain significance. Last evaluated: 2025-07-21. Review status: criteria provided, single submitter. Criteria: ARUP Molecular Germline Variant Investigation Process 2024. Collection method: clinical testing. Allele origin: germline.
Comment: The COL3A1 c.1801G>A; p.Gly601Arg variant (rs767889802), to our knowledge, is not reported in the medical literature but is reported in ClinVar (Variation ID: 925708). This variant is only observed on three alleles in the Genome Aggregation Database (v2.1.1), indicating it is not a common polymorphism. Computational analyses are uncertain whether this variant is neutral or deleterious (REVEL: 0.453). Due to limited information, the clinical significance of this variant is uncertain at this time.

All of Us Research Program, National Institutes of Health
Classification: Uncertain significance for Ehlers-Danlos syndrome, type 4. Last evaluated: 2024-08-06. Review status: criteria provided, single submitter. Criteria: ACMG Guidelines, 2015. Collection method: clinical testing. Allele origin: germline. Inheritance: Autosomal dominant inheritance. Observed: 4 variant alleles, 4 heterozygotes.
Comment: This missense variant replaces glycine with arginine at codon 601 of the COL3A1 protein. Computational prediction suggests that this variant may not impact protein structure and function (internally defined REVEL score threshold <= 0.5, PMID: 27666373). To our knowledge, functional studies have not been performed for this variant. This variant has not been reported in individuals affected with cardiovascular disorders in the literature. This variant has been identified in 3/251416 chromosomes in the general population by the Genome Aggregation Database (gnomAD). The available evidence is insufficient to determine the role of this variant in disease conclusively. Therefore, this variant is classified as a Variant of Uncertain Significance.

This study involves interpretation of variants in research participants for the purpose of population health screening. Participant phenotype was not available at the time of variant classification. Additional details can be found in publication PMID: 35346344, PMCID: PMC8962531

Color Diagnostics, LLC DBA Color Health
Classification: Uncertain significance for Familial thoracic aortic aneurysm and aortic dissection. Last evaluated: 2024-05-23. Review status: criteria provided, single submitter. Criteria: ACMG Guidelines, 2015. Collection method: clinical testing. Allele origin: germline.
Comment: This missense variant replaces glycine with arginine at codon 601 of the COL3A1 protein. Computational prediction suggests that this variant may not impact protein structure and function. To our knowledge, functional studies have not been reported for this variant. This variant has not been reported in individuals affected with COL3A1-related disorders in the literature. This variant has been identified in 3/251416 chromosomes in the general population by the Genome Aggregation Database (gnomAD). The available evidence is insufficient to determine the role of this variant in disease conclusively. Therefore, this variant is classified as a Variant of Uncertain Significance.

GeneDx
Classification: Uncertain significance. Last evaluated: 2021-08-23. Review status: criteria provided, single submitter. Criteria: GeneDx Variant Classification Process June 2021. Collection method: clinical testing. Allele origin: germline. Affected: yes.
Comment: Not observed at significant frequency in large population cohorts (gnomAD); In silico analysis supports that this missense variant does not alter protein structure/function; Has not been previously published as pathogenic or benign to our knowledge; Also known as p.G434R

NM_000090.4(COL3A1):c.1801G>A (p.Gly601Arg)

Gene: COL3A1 (collagen type III alpha 1 chain; plus strand). Cytogenetic location: 2q32.2.
Variant type: single nucleotide variant.
Coding change: c.1801G>A on transcript NM_000090.4 (MANE Select); coding-DNA position 1801, G replaced by A.
Protein change: p.Gly601Arg; replaces glycine 601 with arginine.
Molecular consequence: missense variant.
Genome position (GRCh38, 1-based): chr2:188,997,204, G>A. VCF-style: chr2-188997204-G-A. GRCh37 (hg19) VCF-style: chr2-189861930-G-A.
Other names: short protein forms G601R.
Identifiers: ClinVar variation 925708 (VCV000925708.11), dbSNP rs767889802, ClinGen allele CA074652.
Genomic context (GRCh38, chr2:188,997,204, plus strand): 5'-TACCGACCACTTCTTCTTTAGGGTGCTCCTGGTAAGAATGGAGAACGAGGTGGCCCTGGA[G>A]GACCTGGCCCTCAGGTACGTAGCTTTCCTCAATTTATTTCTAGCCTTCTAATAGATGCGT-3'
Protein context (NP_000081.2, residues 591-611): GKNGERGGPG[Gly601Arg]PGPQGPPGKN